The following is an entry in ClinVar:

ClinVar aggregate classification (germline): Benign (1 of 4 stars; one submission).

Conditions:
Sessile serrated polyposis cancer syndrome (SSPCS). Identifiers: Orphanet 157798, MedGen C4310714, MONDO:0014919, OMIM 617108.

Submission:

Myriad Genetics, Inc.
Classification: Benign for Sessile serrated polyposis cancer syndrome. Last evaluated: 2026-07-02. Review status: criteria provided, single submitter. Criteria: Myriad Autosomal Dominant, Autosomal Recessive and X-Linked Classification Criteria (2023). Collection method: clinical testing. Allele origin: unknown.
Comment: This variant is considered benign. This variant is a silent/synonymous amino acid change and it is not expected to impact splicing.

NM_017763.6(RNF43):c.1881T>C (p.Val627=)

Gene: RNF43 (ring finger protein 43; minus strand). Cytogenetic location: 17q22.
Variant type: single nucleotide variant.
Coding change: c.1881T>C on transcript NM_017763.6 (MANE Select); coding-DNA position 1881, T replaced by C.
Protein change: p.Val627=; no amino-acid change (valine 627 retained).
Molecular consequence: synonymous variant.
Genome position (GRCh38, 1-based): chr17:58,357,895, A>G on the plus strand (T>C on the coding strand, the complement: RNF43 is on the minus strand). VCF-style: chr17-58357895-A-G. GRCh37 (hg19) VCF-style: chr17-56435256-A-G.
Other names: c.1881T>C, p.Val627= (NM_001305544.3, NM_001438820.1, NM_001438821.1 and 1 more transcripts); c.1500T>C, p.Val500= (NM_001305545.2, NM_001437987.1).
Identifiers: ClinVar variation 5042460 (VCV005042460.1).